The following is an entry in ClinVar:

NM_021803.4(IL21):c.358C>A (p.Leu120Ile)

Gene: IL21 (interleukin 21; minus strand). Cytogenetic location: 4q27.
Variant type: single nucleotide variant.
Coding change: c.358C>A on transcript NM_021803.4 (MANE Select); coding-DNA position 358, C replaced by A.
Protein change: p.Leu120Ile; replaces leucine 120 with isoleucine.
Molecular consequence: missense variant.
Genome position (GRCh38, 1-based): chr4:122,615,684, G>T on the plus strand (C>A on the coding strand, the complement: IL21 is on the minus strand). VCF-style: chr4-122615684-G-T. GRCh37 (hg19) VCF-style: chr4-123536839-G-T.
Other names: c.358C>A, p.Leu120Ile (NM_001207006.3); short protein forms L120I.
Identifiers: ClinVar variation 1467806 (VCV001467806.8), dbSNP rs2150686513, ClinGen allele CA358221136.

ClinVar aggregate classification (germline): Uncertain significance (1 of 4 stars; one submission).

Submission:

Labcorp Genetics (formerly Invitae), Labcorp
Classification: Uncertain significance. Last evaluated: 2020-11-04. Review status: criteria provided, single submitter. Criteria: Invitae Variant Classification Sherloc (09022015). Collection method: clinical testing. Allele origin: germline.
Comment: This variant has not been reported in the literature in individuals with IL21-related conditions. In summary, the available evidence is currently insufficient to determine the role of this variant in disease. Therefore, it has been classified as a Variant of Uncertain Significance. Algorithms developed to predict the effect of missense changes on protein structure and function (SIFT, PolyPhen-2, Align-GVGD) all suggest that this variant is likely to be tolerated, but these predictions have not been confirmed by published functional studies and their clinical significance is uncertain. This variant is not present in population databases (ExAC no frequency). This sequence change replaces leucine with isoleucine at codon 120 of the IL21 protein (p.Leu120Ile). The leucine residue is weakly conserved and there is a small physicochemical difference between leucine and isoleucine.